The following is an entry in ClinVar:

NM_001370259.2(MEN1):c.784-2A>G

Gene: MEN1 (menin 1; minus strand). Cytogenetic location: 11q13.1.
Variant type: single nucleotide variant.
Coding change: c.784-2A>G on transcript NM_001370259.2 (MANE Select); the canonical splice acceptor site of the intron before coding-DNA position 784, A replaced by G.
Molecular consequence: splice acceptor variant.
Genome position (GRCh38, 1-based): chr11:64,807,221, T>C on the plus strand (A>G on the coding strand, the complement: MEN1 is on the minus strand). VCF-style: chr11-64807221-T-C. GRCh37 (hg19) VCF-style: chr11-64574693-T-C.
Other names: c.799-2A>G (NM_130804.3, NM_130803.3, NM_000244.4 and 5 more transcripts); c.679-2A>G (NM_001407148.1, NM_001407149.1, NM_001407151.1 and 2 more transcripts); c.784-2A>G (NM_130799.3, NM_001407144.1, NM_001370260.2 and 7 more transcripts).
Identifiers: ClinVar variation 428006 (VCV000428006.3), dbSNP rs1114167472, ClinGen allele CA381184031.

ClinVar aggregate classification (germline): Pathogenic (1 of 4 stars; one submission).

Conditions:
Hereditary cancer-predisposing syndrome. Also called: Hereditary Cancer Syndrome; Neoplastic Syndromes, Hereditary; Hereditary neoplastic syndrome; Tumor predisposition. Identifiers: Orphanet 140162, MedGen C0027672, MeSH D009386, MONDO:0015356.

Submission:

Ambry Genetics
Classification: Pathogenic for Hereditary cancer-predisposing syndrome. Last evaluated: 2012-11-05. Review status: criteria provided, single submitter. Criteria: Ambry Autosomal Dominant and X-Linked criteria (10/2015). Collection method: clinical testing. Allele origin: germline. Observed: 1 variant allele.
Comment: Other acmg-defined mutation (i.e. initiation codon or gross deletion);Alterations at the canonical donor/acceptor sites (+/- 1, 2) without other strong (b-level) evidence supporting pathogenicity